The following is an entry in ClinVar:

ClinVar aggregate classification (germline): Uncertain significance (1 of 4 stars; one submission).

Submission:

GeneDx
Classification: Uncertain significance. Last evaluated: 2024-08-05. Review status: criteria provided, single submitter. Criteria: GeneDx Variant Classification Process June 2021. Collection method: clinical testing. Allele origin: germline. Affected: yes.
Comment: Not observed at significant frequency in large population cohorts (gnomAD); In silico analysis indicates that this missense variant does not alter protein structure/function; Has not been previously published as pathogenic or benign to our knowledge

NM_139276.3(STAT3):c.2275A>G (p.Met759Val)

Gene: STAT3 (signal transducer and activator of transcription 3; minus strand). Cytogenetic location: 17q21.2.
Variant type: single nucleotide variant.
Coding change: c.2275A>G on transcript NM_139276.3 (MANE Select); coding-DNA position 2275, A replaced by G.
Protein change: p.Met759Val; replaces methionine 759 with valine.
Molecular consequence: missense variant. On other transcripts: 3 prime UTR variant (7).
Genome position (GRCh38, 1-based): chr17:42,315,783, T>C on the plus strand (A>G on the coding strand, the complement: STAT3 is on the minus strand). VCF-style: chr17-42315783-T-C. GRCh37 (hg19) VCF-style: chr17-40467801-T-C.
Other names: c.2275A>G, p.Met759Val (NM_001369512.1, NM_001369513.1); c.2272A>G, p.Met758Val (NM_001369514.1, NM_001369516.1, NM_003150.4); c.*56A>G (NM_001369517.1, NM_001369518.1, NM_001369519.1 and 4 more transcripts); c.2191A>G, p.Met731Val (NM_001384984.1); c.2197A>G, p.Met733Val (NM_001384985.1); c.2254A>G, p.Met752Val (NM_001384987.1); c.2179A>G, p.Met727Val (NM_001384988.1); c.2176A>G, p.Met726Val (NM_001384989.1); and 3 more; short protein forms M726V, M727V, M731V, M733V, M739V, M750V, M752V, M755V.
Identifiers: ClinVar variation 3603079 (VCV003603079.1).